The following is an entry in ClinVar:

NM_006939.4(SOS2):c.2969A>G (p.Glu990Gly)

Gene: SOS2 (SOS Ras/Rho guanine nucleotide exchange factor 2; minus strand). Cytogenetic location: 14q21.3.
Variant type: single nucleotide variant.
Coding change: c.2969A>G on transcript NM_006939.4 (MANE Select); coding-DNA position 2969, A replaced by G.
Protein change: p.Glu990Gly; replaces glutamic acid 990 with glycine.
Molecular consequence: missense variant.
Genome position (GRCh38, 1-based): chr14:50,134,229, T>C on the plus strand (A>G on the coding strand, the complement: SOS2 is on the minus strand). VCF-style: chr14-50134229-T-C. GRCh37 (hg19) VCF-style: chr14-50600947-T-C.
Other names: short protein forms E990G.
Identifiers: ClinVar variation 657987 (VCV000657987.11), dbSNP rs761320331, ClinGen allele CA389641938.

ClinVar aggregate classification (germline): Conflicting classifications of pathogenicity. Review status: criteria provided, conflicting classifications (1 of 4 stars). 2 submissions from 2 submitters: Uncertain significance (1); Likely benign (1). Last evaluated 2025-11-24.

Conditions:
Cardiovascular phenotype. Identifiers: MedGen CN230736.
Noonan syndrome 9 (NS9). Identifiers: Orphanet 648, MedGen C4225282, MONDO:0014691, OMIM 616559.

Allele frequency attached by ClinVar (database versions not stated): TOPMed 0.00003; gnomAD 0.00004.

Submissions (2):

Ambry Genetics
Classification: Uncertain significance for Cardiovascular phenotype. Last evaluated: 2025-11-24. Review status: criteria provided, single submitter. Criteria: Ambry Variant Classification Scheme 2023. Collection method: clinical testing. Allele origin: germline.
Comment: The p.E990G variant (also known as c.2969A>G), located in coding exon 19 of the SOS2 gene, results from an A to G substitution at nucleotide position 2969. The glutamic acid at codon 990 is replaced by glycine, an amino acid with similar properties. This amino acid position is conserved. In addition, this alteration is predicted to be deleterious by in silico analysis. Since supporting evidence is limited at this time, the clinical significance of this alteration remains unclear.

Labcorp Genetics (formerly Invitae), Labcorp
Classification: Likely benign for Noonan syndrome 9. Last evaluated: 2025-09-16. Review status: criteria provided, single submitter. Criteria: Invitae Variant Classification Sherloc (09022015). Collection method: clinical testing. Allele origin: germline.